The following is an entry in ClinVar:

ClinVar aggregate classification (germline): Pathogenic. Review status: criteria provided, multiple submitters, no conflicts (2 of 4 stars). 10 submissions from 10 submitters: Pathogenic (9). 1 of the submissions does not count toward it. Last evaluated 2026-08-18.

Conditions:
PKD1-related disorder. Also called: PKD1-related condition.
Polycystic kidney disease, adult type (PKD1). Also called: POLYCYSTIC KIDNEY DISEASE, ADULT, TYPE I; Polycystic Kidney Disease 1, Autosomal Dominant; Polycystic kidney disease 1; Polycystic kidney disease 1, severe; Polycystic Kidney, Autosomal Dominant; POLYCYSTIC KIDNEY DISEASE 1 WITH OR WITHOUT POLYCYSTIC LIVER DISEASE. Identifiers: MedGen C3149841, MONDO:0008263, OMIM 173900.
Polycystic kidney disease. Also called: Kidney, Polycystic; Polycystic kidney dysplasia. Identifiers: MedGen C0022680, MeSH D007690, MONDO:0020642, HP:0000113.
Renal cyst. Also called: cystic kidneys; Cystic kidney disease; Renal cysts. Identifiers: MedGen C3887499, MONDO:0002473, HP:0000107.

Allele frequency attached by ClinVar (database versions not stated): gnomAD exomes below 0.00001.
gnomAD v4.1: 2 of 1,612,578 alleles (0.00012%); highest among the groups gnomAD compares: Non-Finnish European, 0.00017%; no homozygotes.

Submissions (10):

PreventionGenetics, part of Exact Sciences
Classification: Pathogenic for PKD1-related condition. Last evaluated: 2026-08-18. Review status: criteria provided, single submitter. Criteria: ACMG Guidelines, 2015. Collection method: clinical testing. Allele origin: germline.
Comment: The PKD1 c.12031C>T variant is predicted to result in premature protein termination (p.Gln4011*). This variant has been reported in individuals with polycystic kidney disease (PKD) (see for example at Shuster et al. 2019. PubMed ID: 30650191; Nielsen et al. 2021. PubMed ID: 33639313). This variant has not been reported in a large population database gnomAD indicating this variant is rare. Nonsense variants in PKD1 are expected to be pathogenic. This variant is interpreted as pathogenic.

Women's Health and Genetics/Laboratory Corporation of America, LabCorp
Classification: Pathogenic for Polycystic kidney disease, adult type. Last evaluated: 2025-07-01. Review status: criteria provided, single submitter. Criteria: LabCorp Variant Classification Summary - May 2015. Collection method: clinical testing. Allele origin: germline.
Comment: Variant summary: PKD1 c.12031C>T (p.Gln4011X) results in a premature termination codon, predicted to cause a truncation of the encoded protein or absence of the protein due to nonsense mediated decay, which are commonly known mechanisms for disease. The variant was absent in 245558 control chromosomes. c.12031C>T has been observed in individual(s) affected with Polycystic Kidney Disease 1 (example: Shuster_2019). The following publication has been ascertained in the context of this evaluation (PMID: 30650191). ClinVar contains an entry for this variant (Variation ID: 447961). Based on the evidence outlined above, the variant was classified as pathogenic.

Clinical Genetics Laboratory, Skane University Hospital Lund
Classification: Pathogenic for Polycystic kidney disease, adult type. Last evaluated: 2025-05-16. Review status: criteria provided, single submitter. Criteria: ACMG Guidelines, 2015. Collection method: clinical testing. Allele origin: germline. Affected: yes.
Comment: ACMG criteria used: PVS1, PS4, PP1, PP4_Strong

GeneDx
Classification: Pathogenic. Last evaluated: 2022-07-26. Review status: criteria provided, single submitter. Criteria: GeneDx Variant Classification Process June 2021. Collection method: clinical testing. Allele origin: germline. Affected: yes.
Comment: Nonsense variant predicted to result in protein truncation or nonsense mediated decay in a gene for which loss of function is a known mechanism of disease; Not observed at significant frequency in large population cohorts (gnomAD); This variant is associated with the following publications: (PMID: 25525159, 12220456, 9521593, 30650191, 33639313, 10729710, 10923038, 22508176, 35783601, 34032358, 25333066, 22383692)

Cambridge Genomics Laboratory, East Genomic Laboratory Hub, NHS Genomic Medicine Service
Classification: Pathogenic for Renal cyst. Last evaluated: 2019-09-13. Review status: criteria provided, single submitter. Criteria: ACGS Best Practice Guidelines for Variant Classification in Rare Disease 2020. Collection method: clinical testing. Allele origin: germline. Affected: yes. Observed: 1 variant allele.

Fulgent Genetics
Classification: Pathogenic for Polycystic kidney disease, adult type. Last evaluated: 2018-10-31. Review status: criteria provided, single submitter. Criteria: ACMG Guidelines, 2015. Collection method: clinical testing. Allele origin: unknown.

Athena Diagnostics
Classification: Pathogenic. Last evaluated: 2016-10-21. Review status: criteria provided, single submitter. Criteria: Athena Diagnostics Criteria. Collection method: clinical testing. Allele origin: germline.

Juno Genomics, Hangzhou Juno Genomics, Inc
Classification: Pathogenic for Polycystic kidney disease, adult type. Review status: criteria provided, single submitter. Criteria: ACMG Guidelines, 2015. Collection method: clinical testing. Allele origin: germline. Affected: yes.
Comment: Absent from controls (or at extremely low frequency if recessive) in Genome Aggregation Database, Exome Sequencing Project, 1000 Genomes Project, or Exome Aggregation Consortium.;Null variant in a gene where loss of function (LOF) is a known mechanism of disease.;De novo (both maternity and paternity confirmed) in a patient with the disease and no family history.;The prevalence of the variant in affected individuals is significantly increased compared to the prevalence in controls.;Patient's phenotype or family history is highly specific for a disease with a single genetic etiology.

Neuberg Centre For Genomic Medicine, NCGM
Classification: Pathogenic for Polycystic kidney disease, adult type. Review status: criteria provided, single submitter. Criteria: ACMG Guidelines, 2015. Collection method: clinical testing. Allele origin: germline. Inheritance: Autosomal dominant inheritance. Affected: yes.

Department of Pathology and Laboratory Medicine, Sinai Health System
Classification: Pathogenic for Polycystic Kidney disease. Review status: no assertion criteria provided. Collection method: clinical testing. Allele origin: unknown. Affected: yes. Study: The Canadian Open Genetics Repository (COGR). Not counted in ClinVar's aggregate classification.
Comment: The PKD1 p.Gln4011* variant was identified in 6 of 2598 proband chromosomes (frequency: 0.002) from individuals or families with autosomal dominant polycystic kidney disease and was not identified in 518 control chromosomes from healthy individuals (Hwang 2016, Rossetti 2012, Eo 2002, Bogdanova 2000, AudrâˆšÂ©zet 2012, Daniells 1998, Kim 2000, Stekrova 2009). The variant was also identified in ClinVar (classified as pathogenic by Athena Diagnostics and Fulgent Genetics) and in the ADPKD Mutation Database (as definitely pathogenic). The variant was not identified in LOVD 3.0 or the PKD1-LOVD databases. It was not identified in the following control databases: the Exome Aggregation Consortium (August 8th 2016) or the Genome Aggregation Database (Feb 27, 2017). The p.Gln4011* variant leads to a premature stop codon at position 4011, which is predicted to lead to a truncated or absent protein and loss of function. Loss of function variants of the PKD1 gene are an established mechanism of disease in autosomal dominant polycystic kidney disease and is the type of variant expected to cause the disorder. In summary, based on the above information, this variant meets our laboratoryâ€šÃ„Ã´s criteria to be classified as pathogenic.

Literature cited by the submitters: PubMed 30650191 (cited by Women's Health and Genetics/Laboratory Corporation of America, LabCorp); PubMed 10729710 (cited by Athena Diagnostics); PubMed 10923038 (cited by Athena Diagnostics); PubMed 12220456 (cited by Athena Diagnostics); PubMed 9521593 (cited by Athena Diagnostics).

NM_001009944.3(PKD1):c.12031C>T (p.Gln4011Ter)

Gene: PKD1 (polycystin 1, transient receptor potential channel interacting; minus strand). Cytogenetic location: 16p13.3.
Variant type: single nucleotide variant.
Coding change: c.12031C>T on transcript NM_001009944.3 (MANE Select); coding-DNA position 12031, C replaced by T.
Protein change: p.Gln4011Ter; replaces glutamine 4011 with a stop codon.
Molecular consequence: nonsense.
Genome position (GRCh38, 1-based): chr16:2,090,781, G>A on the plus strand (C>T on the coding strand, the complement: PKD1 is on the minus strand). VCF-style: chr16-2090781-G-A. GRCh37 (hg19) VCF-style: chr16-2140782-G-A.
Other names: c.12031C>T (NM_001009944.2); c.12028C>T, p.Gln4010Ter (NM_000296.4); short protein forms Q4010*, Q4011*.
Identifiers: ClinVar variation 447961 (VCV000447961.23), dbSNP rs1555444985, ClinGen allele CA394328039.